The following is an entry in ClinVar:

NM_181523.3(PIK3R1):c.1016C>T (p.Ser339Leu)

Gene: PIK3R1 (phosphoinositide-3-kinase regulatory subunit 1; plus strand). Cytogenetic location: 5q13.1.
Variant type: single nucleotide variant.
Coding change: c.1016C>T on transcript NM_181523.3 (MANE Select); coding-DNA position 1016, C replaced by T.
Protein change: p.Ser339Leu; replaces serine 339 with leucine.
Molecular consequence: missense variant.
Genome position (GRCh38, 1-based): chr5:68,292,358, C>T. VCF-style: chr5-68292358-C-T. GRCh37 (hg19) VCF-style: chr5-67588186-C-T.
Other names: c.206C>T, p.Ser69Leu (NM_181504.4); c.116C>T, p.Ser39Leu (NM_181524.2); short protein forms S339L, S39L, S69L.
Identifiers: ClinVar variation 3758388 (VCV003758388.2).
Genomic context (GRCh38, chr5:68,292,358, plus strand): 5'-ACAACGGTATGAATAACAATATGTCCTTACAAGATGCTGAATGGTACTGGGGAGATATCT[C>T]GAGGTAAGGCTACAGAAACTTCATTTTCAGAGAGTTTTAGATTAAAAGAAAGAAAAGCAC-3'
Protein context (NP_852664.1, residues 329-349): QDAEWYWGDI[Ser339Leu]REEVNEKLRD

ClinVar aggregate classification (germline): Uncertain significance (1 of 4 stars; one submission).

Conditions:
Agammaglobulinemia 7, autosomal recessive (AGM7). Also called: AGAMMAGLOBULINEMIA, AUTOSOMAL RECESSIVE, DUE TO PIK3R1 DEFECT. Identifiers: MedGen C3554689, MONDO:0014083, OMIM 615214.
Immunodeficiency 36 with lymphoproliferation. Also called: Immunodeficiency 36; ACTIVATED PI3K-DELTA SYNDROME 2; Activated PI3K Delta Syndrome Type 2 (APDS2). Identifiers: Orphanet 397596, Orphanet 693681, MedGen C4014934, MONDO:0014453, OMIM 616005.
SHORT syndrome. Also called: SHORT STATURE, HYPEREXTENSIBILITY, HERNIA, OCULAR DEPRESSION, RIEGER ANOMALY, AND TEETHING DELAY; LIPODYSTROPHY, PARTIAL, WITH RIEGER ANOMALY AND SHORT STATURE; PIK3R1-Related SHORT Syndrome. Identifiers: Orphanet 3163, MedGen C0878684, MONDO:0010026, OMIM 269880.

gnomAD v4.1: 5 of 1,598,200 alleles (0.00031%); highest among the groups gnomAD compares: East Asian, 0.0022%; no homozygotes.

Submission:

Labcorp Genetics (formerly Invitae), Labcorp
Classification: Uncertain significance for SHORT syndrome; Immunodeficiency 36 with lymphoproliferation; Agammaglobulinemia 7, autosomal recessive. Last evaluated: 2026-01-13. Review status: criteria provided, single submitter. Criteria: Invitae Variant Classification Sherloc (09022015). Collection method: clinical testing. Allele origin: germline.
Comment: This sequence change replaces serine, which is neutral and polar, with leucine, which is neutral and non-polar, at codon 339 of the PIK3R1 protein (p.Ser339Leu). This variant is present in population databases (no rsID available, gnomAD 0.007%). This variant has not been reported in the literature in individuals affected with PIK3R1-related conditions. ClinVar contains an entry for this variant (Variation ID: 3758388). Invitae Evidence Modeling of protein sequence and biophysical properties (such as structural, functional, and spatial information, amino acid conservation, physicochemical variation, residue mobility, and thermodynamic stability) has been performed for this missense variant. However, the output from this modeling did not meet the statistical confidence thresholds required to predict the impact of this variant on PIK3R1 protein function. In summary, the available evidence is currently insufficient to determine the role of this variant in disease. Therefore, it has been classified as a Variant of Uncertain Significance.